The following is an entry in ClinVar:

ClinVar aggregate classification (germline): Uncertain significance (1 of 4 stars; one submission).

Submission:

Mayo Clinic Laboratories, Mayo Clinic
Classification: Uncertain significance. Last evaluated: 2024-08-14. Review status: criteria provided, single submitter. Criteria: ACMG Guidelines, 2015. Collection method: clinical testing. Allele origin: germline. Observed: 1 variant allele.
Comment: BP4, PM2

NM_015272.5(RPGRIP1L):c.2908C>A (p.Pro970Thr)

Gene: RPGRIP1L (RPGRIP1 like; minus strand). Cytogenetic location: 16q12.2.
Variant type: single nucleotide variant.
Coding change: c.2908C>A on transcript NM_015272.5 (MANE Select); coding-DNA position 2908, C replaced by A.
Protein change: p.Pro970Thr; replaces proline 970 with threonine.
Molecular consequence: missense variant.
Genome position (GRCh38, 1-based): chr16:53,641,083, G>T on the plus strand (C>A on the coding strand, the complement: RPGRIP1L is on the minus strand). VCF-style: chr16-53641083-G-T. GRCh37 (hg19) VCF-style: chr16-53674995-G-T.
Other names: p.Pro970Thr; c.2908C>A, p.Pro970Thr (NM_001127897.4, NM_001308334.3, NM_001330538.2); short protein forms P970T.
Identifiers: ClinVar variation 3380392 (VCV003380392.1).